The following is an entry in ClinVar:

NM_005751.5(AKAP9):c.5329G>A (p.Ala1777Thr)

Gene: AKAP9 (A-kinase anchoring protein 9; plus strand). Cytogenetic location: 7q21.2.
Variant type: single nucleotide variant.
Coding change: c.5329G>A on transcript NM_005751.5 (MANE Select); coding-DNA position 5329, G replaced by A.
Protein change: p.Ala1777Thr; replaces alanine 1777 with threonine.
Molecular consequence: missense variant.
Genome position (GRCh38, 1-based): chr7:92,045,174, G>A. VCF-style: chr7-92045174-G-A. GRCh37 (hg19) VCF-style: chr7-91674488-G-A.
Other names: c.5329G>A, p.Ala1777Thr (NM_147185.3); short protein forms A1777T.
Identifiers: ClinVar variation 3654093 (VCV003654093.2).

ClinVar aggregate classification (germline): Uncertain significance (1 of 4 stars; one submission).

Conditions:
Long QT syndrome (LQTS). Identifiers: MedGen C0023976, MeSH D008133, MONDO:0002442. Disease mechanism: loss of function. Inheritance: Various modes of inheritance.

gnomAD v4.1: 1 of 1,613,808 alleles (0.000062%); highest among the groups gnomAD compares: African/African-American, 0.0013%; no homozygotes.

Submission:

Labcorp Genetics (formerly Invitae), Labcorp
Classification: Uncertain significance for Long QT syndrome. Last evaluated: 2024-05-21. Review status: criteria provided, single submitter. Criteria: Invitae Variant Classification Sherloc (09022015). Collection method: clinical testing. Allele origin: germline.
Comment: This sequence change replaces alanine, which is neutral and non-polar, with threonine, which is neutral and polar, at codon 1777 of the AKAP9 protein (p.Ala1777Thr). This variant is present in population databases (no rsID available, gnomAD 0.0009%). This variant has not been reported in the literature in individuals affected with AKAP9-related conditions. Algorithms developed to predict the effect of missense changes on protein structure and function output the following: SIFT: "Not Available"; PolyPhen-2: "Benign"; Align-GVGD: "Not Available". The threonine amino acid residue is found in multiple mammalian species, which suggests that this missense change does not adversely affect protein function. In summary, the available evidence is currently insufficient to determine the role of this variant in disease. Therefore, it has been classified as a Variant of Uncertain Significance.